The following is an entry in ClinVar:

ClinVar aggregate classification (germline): Uncertain significance (1 of 4 stars; one submission).

Conditions:
WBP11-related disorder. Also called: WBP11-related condition.

gnomAD v4.1: 1 of 1,613,904 alleles (0.000062%); highest among the groups gnomAD compares: Non-Finnish European, 0.000085%; no homozygotes.

Submission:

PreventionGenetics, part of Exact Sciences
Classification: Uncertain significance for WBP11-related condition. Last evaluated: 2026-05-07. Review status: criteria provided, single submitter. Criteria: ACMG Guidelines, 2015. Collection method: clinical testing. Allele origin: germline.
Comment: The WBP11 c.778G>A variant is predicted to result in the amino acid substitution p.Glu260Lys. To our knowledge, this variant has not been reported in the literature or in a large population database (gnomAD), indicating this variant is rare. At this time, the clinical significance of this variant is uncertain due to the absence of conclusive functional and genetic evidence.

NM_016312.3(WBP11):c.778G>A (p.Glu260Lys)

Gene: WBP11 (WW domain binding protein 11; minus strand). Cytogenetic location: 12p12.3.
Variant type: single nucleotide variant.
Coding change: c.778G>A on transcript NM_016312.3 (MANE Select); coding-DNA position 778, G replaced by A.
Protein change: p.Glu260Lys; replaces glutamic acid 260 with lysine.
Molecular consequence: missense variant.
Genome position (GRCh38, 1-based): chr12:14,793,866, C>T on the plus strand (G>A on the coding strand, the complement: WBP11 is on the minus strand). VCF-style: chr12-14793866-C-T. GRCh37 (hg19) VCF-style: chr12-14946800-C-T.
Other names: short protein forms E260K.
Identifiers: ClinVar variation 4995402 (VCV004995402.1).